The following is an entry in ClinVar:

NM_006361.6(HOXB13):c.355G>T (p.Glu119Ter)

Gene: HOXB13 (homeobox B13; minus strand). Cytogenetic location: 17q21.32.
Variant type: single nucleotide variant.
Coding change: c.355G>T on transcript NM_006361.6 (MANE Select); coding-DNA position 355, G replaced by T.
Protein change: p.Glu119Ter; replaces glutamic acid 119 with a stop codon.
Molecular consequence: nonsense.
Genome position (GRCh38, 1-based): chr17:48,728,239, C>A on the plus strand (G>T on the coding strand, the complement: HOXB13 is on the minus strand). VCF-style: chr17-48728239-C-A. GRCh37 (hg19) VCF-style: chr17-46805601-C-A.
Other names: short protein forms E119*.
Identifiers: ClinVar variation 969382 (VCV000969382.7), dbSNP rs1597934381, ClinGen allele CA400107634.
Genomic context (GRCh38, chr17:48,728,239, plus strand): 5'-GCTGGTAGGTTCCCGGATATCCCGGATAGAAGGCAAACTCAGTGGGGCGGCTGGGGTACT[C>A]TTCCCCGGCCGTGGGAGTCTCCGCGGGGTACGCGGCCAGGGTGGCTGCCTGGGCACAGGG-3'

ClinVar aggregate classification (germline): Uncertain significance (1 of 4 stars; one submission).

Submission:

Labcorp Genetics (formerly Invitae), Labcorp
Classification: Uncertain significance. Last evaluated: 2023-05-01. Review status: criteria provided, single submitter. Criteria: Invitae Variant Classification Sherloc (09022015). Collection method: clinical testing. Allele origin: germline.
Comment: In summary, the available evidence is currently insufficient to determine the role of this variant in disease. Therefore, it has been classified as a Variant of Uncertain Significance. ClinVar contains an entry for this variant (Variation ID: 969382). This variant has not been reported in the literature in individuals affected with HOXB13-related conditions. This variant is not present in population databases (gnomAD no frequency). This sequence change creates a premature translational stop signal (p.Glu119*) in the HOXB13 gene. It is expected to result in an absent or disrupted protein product. However, the current clinical and genetic evidence is not sufficient to establish whether loss-of-function variants in HOXB13 cause disease.